The following is an entry in ClinVar:

NM_172351.3(CD46):c.623T>C (p.Ile208Thr)

Gene: CD46 (CD46 molecule; plus strand). Cytogenetic location: 1q32.2.
Variant type: single nucleotide variant.
Coding change: c.623T>C on transcript NM_172351.3 (MANE Select); coding-DNA position 623, T replaced by C.
Protein change: p.Ile208Thr; replaces isoleucine 208 with threonine.
Molecular consequence: missense variant.
Genome position (GRCh38, 1-based): chr1:207,761,396, T>C. VCF-style: chr1-207761396-T-C. GRCh37 (hg19) VCF-style: chr1-207934741-T-C.
Other names: c.623T>C, p.Ile208Thr (NM_172352.3, NM_172353.3, NM_172355.3 and 8 more transcripts); short protein forms I208T.
Identifiers: ClinVar variation 1444643 (VCV001444643.6), dbSNP rs2102561926, ClinGen allele CA344549182.

ClinVar aggregate classification (germline): Uncertain significance (1 of 4 stars; one submission).

Submission:

Labcorp Genetics (formerly Invitae), Labcorp
Classification: Uncertain significance. Last evaluated: 2023-10-24. Review status: criteria provided, single submitter. Criteria: Invitae Variant Classification Sherloc (09022015). Collection method: clinical testing. Allele origin: germline.
Comment: This sequence change replaces isoleucine, which is neutral and non-polar, with threonine, which is neutral and polar, at codon 208 of the CD46 protein (p.Ile208Thr). This variant is not present in population databases (gnomAD no frequency). This variant has not been reported in the literature in individuals affected with CD46-related conditions. ClinVar contains an entry for this variant (Variation ID: 1444643). Advanced modeling of protein sequence and biophysical properties (such as structural, functional, and spatial information, amino acid conservation, physicochemical variation, residue mobility, and thermodynamic stability) performed at Invitae indicates that this missense variant is not expected to disrupt CD46 protein function with a negative predictive value of 80%. In summary, the available evidence is currently insufficient to determine the role of this variant in disease. Therefore, it has been classified as a Variant of Uncertain Significance.